The following is an entry in ClinVar:

ClinVar aggregate classification (germline): Uncertain significance (1 of 4 stars; one submission).

Conditions:
Primary ciliary dyskinesia. Also called: Ciliary dyskinesia. Identifiers: Orphanet 244, MedGen C0008780, MONDO:0016575, HP:0012265.

gnomAD v4.1: 48 of 1,612,814 alleles (0.003%); highest among the groups gnomAD compares: South Asian, 0.041%; no homozygotes.

Submission:

Labcorp Genetics (formerly Invitae), Labcorp
Classification: Uncertain significance for Primary ciliary dyskinesia. Last evaluated: 2025-01-16. Review status: criteria provided, single submitter. Criteria: Invitae Variant Classification Sherloc (09022015). Collection method: clinical testing. Allele origin: germline.
Comment: This sequence change replaces proline, which is neutral and non-polar, with leucine, which is neutral and non-polar, at codon 421 of the DNAAF3 protein (p.Pro421Leu). This variant is present in population databases (rs199556405, gnomAD 0.05%). This variant has not been reported in the literature in individuals affected with DNAAF3-related conditions. Invitae Evidence Modeling of protein sequence and biophysical properties (such as structural, functional, and spatial information, amino acid conservation, physicochemical variation, residue mobility, and thermodynamic stability) indicates that this missense variant is not expected to disrupt DNAAF3 protein function with a negative predictive value of 80%. In summary, the available evidence is currently insufficient to determine the role of this variant in disease. Therefore, it has been classified as a Variant of Uncertain Significance.

NM_001256715.2(DNAAF3):c.1061C>T (p.Pro354Leu)

Genes: DNAAF3 (dynein axonemal assembly factor 3; minus strand), DNAAF3-AS1 (DNAAF3 antisense RNA 1; plus strand). Cytogenetic location: 19q13.42.
Variant type: single nucleotide variant.
Coding change: c.1061C>T on transcript NM_001256715.2 (MANE Select); coding-DNA position 1061, C replaced by T.
Protein change: p.Pro354Leu; replaces proline 354 with leucine.
Molecular consequence: missense variant.
Genome position (GRCh38, 1-based): chr19:55,160,001, G>A on the plus strand (C>T on the coding strand, the complement: DNAAF3 is on the minus strand). VCF-style: chr19-55160001-G-A. GRCh37 (hg19) VCF-style: chr19-55671369-G-A.
Other names: c.1262C>T, p.Pro421Leu (NM_001256714.1); c.899C>T, p.Pro300Leu (NM_001256716.2); c.1202C>T, p.Pro401Leu (NM_178837.4); short protein forms P300L, P401L, P354L, P421L.
Identifiers: ClinVar variation 3712512 (VCV003712512.1).